The following is an entry in ClinVar:

NM_001145809.2(MYH14):c.161G>A (p.Arg54His)

Gene: MYH14 (myosin heavy chain 14; plus strand). Cytogenetic location: 19q13.33.
Variant type: single nucleotide variant.
Coding change: c.161G>A on transcript NM_001145809.2 (MANE Select); coding-DNA position 161, G replaced by A.
Protein change: p.Arg54His; replaces arginine 54 with histidine.
Molecular consequence: missense variant.
Genome position (GRCh38, 1-based): chr19:50,210,526, G>A. VCF-style: chr19-50210526-G-A. GRCh37 (hg19) VCF-style: chr19-50713783-G-A.
Other names: c.161G>A, p.Arg54His (NM_001077186.2, NM_024729.4); short protein forms R54H.
Identifiers: ClinVar variation 1954388 (VCV001954388.5), dbSNP rs1005939347, ClinGen allele CA309565462.

ClinVar aggregate classification (germline): Uncertain significance (1 of 4 stars; one submission).

Allele frequency attached by ClinVar (database versions not stated): gnomAD exomes below 0.00001; TOPMed below 0.00001; 1000 Genomes Project 30x 0.00016; gnomAD 0.00001.
gnomAD v4.1: 3 of 1,576,230 alleles (0.00019%); highest among the groups gnomAD compares: East Asian, 0.0024%; no homozygotes.

Submission:

Labcorp Genetics (formerly Invitae), Labcorp
Classification: Uncertain significance. Last evaluated: 2025-08-18. Review status: criteria provided, single submitter. Criteria: Invitae Variant Classification Sherloc (09022015). Collection method: clinical testing. Allele origin: germline.
Comment: This sequence change replaces arginine, which is basic and polar, with histidine, which is basic and polar, at codon 54 of the MYH14 protein (p.Arg54His). This variant is not present in population databases (gnomAD no frequency). This variant has not been reported in the literature in individuals affected with MYH14-related conditions. ClinVar contains an entry for this variant (Variation ID: 1954388). Invitae Evidence Modeling of protein sequence and biophysical properties (such as structural, functional, and spatial information, amino acid conservation, physicochemical variation, residue mobility, and thermodynamic stability) indicates that this missense variant is expected to disrupt MYH14 protein function with a positive predictive value of 80%. In summary, the available evidence is currently insufficient to determine the role of this variant in disease. Therefore, it has been classified as a Variant of Uncertain Significance.